The following is an entry in ClinVar:

NM_014712.3(SETD1A):c.1322G>C (p.Gly441Ala)

Gene: SETD1A (SET domain containing 1A, histone lysine methyltransferase; plus strand). Cytogenetic location: 16p11.2.
Variant type: single nucleotide variant.
Coding change: c.1322G>C on transcript NM_014712.3 (MANE Select); coding-DNA position 1322, G replaced by C.
Protein change: p.Gly441Ala; replaces glycine 441 with alanine.
Molecular consequence: missense variant.
Genome position (GRCh38, 1-based): chr16:30,965,064, G>C. VCF-style: chr16-30965064-G-C. GRCh37 (hg19) VCF-style: chr16-30976385-G-C.
Other names: short protein forms G441A.
Identifiers: ClinVar variation 1804380 (VCV001804380.1), dbSNP rs2056118964, ClinGen allele CA395654064.

ClinVar aggregate classification (germline): Uncertain significance (1 of 4 stars; one submission).

Allele frequency attached by ClinVar (database versions not stated): TOPMed 0.00001.

Submission:

GeneDx
Classification: Uncertain significance. Last evaluated: 2022-06-14. Review status: criteria provided, single submitter. Criteria: GeneDx Variant Classification Process June 2021. Collection method: clinical testing. Allele origin: germline. Affected: yes.
Comment: Not observed at significant frequency in large population cohorts (gnomAD); In silico analysis supports that this missense variant does not alter protein structure/function; Has not been previously published as pathogenic or benign to our knowledge